The following is an entry in ClinVar:

ClinVar aggregate classification (germline): Conflicting classifications of pathogenicity. Review status: criteria provided, conflicting classifications (1 of 4 stars). 2 submissions from 2 submitters: Uncertain significance (1); Likely benign (1). Last evaluated 2023-03-23.

Conditions:
Hereditary breast ovarian cancer syndrome. Also called: Hereditary breast and ovarian cancer syndrome; Breast and ovarian cancer; Hereditary breast and/or ovarian cancer syndrome; Hereditary breast and ovarian cancer; BRCA1- and BRCA2-Associated Hereditary Breast and Ovarian Cancer; Hereditary breast and ovarian cancer syndrome (HBOC). Identifiers: Orphanet 145, MedGen C0677776, MeSH D061325, MONDO:0003582. Disease mechanism: loss of function.
Hereditary cancer-predisposing syndrome. Also called: Tumor predisposition; Neoplastic Syndromes, Hereditary; Hereditary neoplastic syndrome; Hereditary Cancer Syndrome. Identifiers: Orphanet 140162, MedGen C0027672, MeSH D009386, MONDO:0015356.

Submissions (2):

University of Washington Department of Laboratory Medicine, University of Washington
Classification: Likely benign for Hereditary cancer-predisposing syndrome. Last evaluated: 2023-03-23. Review status: criteria provided, single submitter. Criteria: Dines et al. (Genet Med. 2020). Collection method: curation. Allele origin: germline.
Comment: Missense variant in a coldspot region where missense variants are very unlikely to be pathogenic (PMID:31911673).

BRCA2 exon 11 coldspot. Reclassification based on statistical prior probability.

Labcorp Genetics (formerly Invitae), Labcorp
Classification: Uncertain significance for Hereditary breast ovarian cancer syndrome. Last evaluated: 2019-03-02. Review status: criteria provided, single submitter. Criteria: Invitae Variant Classification Sherloc (09022015). Collection method: clinical testing. Allele origin: germline.
Comment: In summary, the available evidence is currently insufficient to determine the role of this variant in disease. Therefore, it has been classified as a Variant of Uncertain Significance. Algorithms developed to predict the effect of missense changes on protein structure and function output the following: SIFT: "Tolerated"; PolyPhen-2: "Benign"; Align-GVGD: "Class C0". The proline amino acid residue is found in multiple mammalian species, suggesting that this missense change does not adversely affect protein function. These predictions have not been confirmed by published functional studies and their clinical significance is uncertain. This variant has not been reported in the literature in individuals with BRCA2-related conditions. This variant is not present in population databases (ExAC no frequency). This sequence change replaces alanine with proline at codon 1826 of the BRCA2 protein (p.Ala1826Pro). The alanine residue is weakly conserved and there is a small physicochemical difference between alanine and proline.

NM_000059.4(BRCA2):c.5476G>C (p.Ala1826Pro)

Gene: BRCA2 (BRCA2 DNA repair associated; plus strand). Cytogenetic location: 13q13.1.
Variant type: single nucleotide variant.
Coding change: c.5476G>C on transcript NM_000059.4 (MANE Select); coding-DNA position 5476, G replaced by C.
Protein change: p.Ala1826Pro; replaces alanine 1826 with proline.
Molecular consequence: missense variant.
Genome position (GRCh38, 1-based): chr13:32,339,831, G>C. VCF-style: chr13-32339831-G-C. GRCh37 (hg19) VCF-style: chr13-32913968-G-C.
Other names: short protein forms A1826P.
Identifiers: ClinVar variation 849290 (VCV000849290.11), dbSNP rs2072530360, ClinGen allele CA387785698.